The following is an entry in ClinVar:

NM_001005361.3(DNM2):c.1514del (p.Gln505fs)

Gene: DNM2 (dynamin 2; plus strand). Cytogenetic location: 19p13.2.
Variant type: Deletion.
Coding change: c.1514del on transcript NM_001005361.3 (MANE Select); coding-DNA position 1514, one base deleted (A; older notation c.1514delA).
Protein change: p.Gln505fs; shifts the reading frame from glutamine 505.
Molecular consequence: frameshift variant.
Genome position (GRCh38, 1-based): chr19:10,805,936, A deleted. VCF-style (leftmost placement, unchanged base first): chr19-10805935-CA-C. GRCh37 (hg19) VCF-style: chr19-10916611-CA-C.
Other names: c.1514del, p.Gln505fs (NM_001005360.3, NM_001005362.3, NM_001190716.2 and 1 more transcripts); short protein forms Q505fs.
Identifiers: ClinVar variation 1497962 (VCV001497962.6), dbSNP rs2146080349, ClinGen allele CA2573155556.

ClinVar aggregate classification (germline): Uncertain significance (1 of 4 stars; one submission).

Conditions:
Charcot-Marie-Tooth disease dominant intermediate B (CMTDIB). Also called: CHARCOT-MARIE-TOOTH NEUROPATHY, DOMINANT INTERMEDIATE B; Charcot-Marie-Tooth disease dominant intermediate 1; CMT DI1; Charcot-Marie-Tooth disease dominant intermediate I. Identifiers: Orphanet 100044, Orphanet 228179, MedGen C1847902, MONDO:0011674, OMIM 606482.

Submission:

Labcorp Genetics (formerly Invitae), Labcorp
Classification: Uncertain significance for Charcot-Marie-Tooth disease dominant intermediate B. Last evaluated: 2021-10-19. Review status: criteria provided, single submitter. Criteria: Invitae Variant Classification Sherloc (09022015). Collection method: clinical testing. Allele origin: germline.
Comment: This sequence change creates a premature translational stop signal (p.Gln505Argfs*2) in the DNM2 gene. It is expected to result in an absent or disrupted protein product. However, the current clinical and genetic evidence is not sufficient to establish whether loss-of-function variants in DNM2 cause disease. This variant is not present in population databases (gnomAD no frequency). This variant has not been reported in the literature in individuals affected with DNM2-related conditions. In summary, the available evidence is currently insufficient to determine the role of this variant in disease. Therefore, it has been classified as a Variant of Uncertain Significance.